The following is an entry in ClinVar:

NM_000038.6(APC):c.7346G>C (p.Ser2449Thr)

Gene: APC (APC regulator of Wnt signaling pathway; plus strand). Cytogenetic location: 5q22.2.
Variant type: single nucleotide variant.
Coding change: c.7346G>C on transcript NM_000038.6 (MANE Select); coding-DNA position 7346, G replaced by C.
Protein change: p.Ser2449Thr; replaces serine 2449 with threonine.
Molecular consequence: missense variant.
Genome position (GRCh38, 1-based): chr5:112,842,940, G>C. VCF-style: chr5-112842940-G-C. GRCh37 (hg19) VCF-style: chr5-112178637-G-C.
Other names: c.7346G>C, p.Ser2449Thr (NM_001127510.3, NM_001354895.2); c.7292G>C, p.Ser2431Thr (NM_001127511.3); c.7400G>C, p.Ser2467Thr (NM_001354896.2); c.7376G>C, p.Ser2459Thr (NM_001354897.2); c.7271G>C, p.Ser2424Thr (NM_001354898.2); c.7262G>C, p.Ser2421Thr (NM_001354899.2); c.7223G>C, p.Ser2408Thr (NM_001354900.2); c.7169G>C, p.Ser2390Thr (NM_001354901.2); and 5 more; short protein forms S2289T, S2421T, S2431T, S2358T, S2390T, S2459T, S2166T, S2323T.
Identifiers: ClinVar variation 826979 (VCV000826979.4), dbSNP rs1580681445, ClinGen allele CA16037329.

ClinVar aggregate classification (germline): Uncertain significance (1 of 4 stars; one submission).

Conditions:
Hereditary cancer-predisposing syndrome. Also called: Neoplastic Syndromes, Hereditary; Tumor predisposition; Hereditary neoplastic syndrome; Hereditary Cancer Syndrome. Identifiers: Orphanet 140162, MedGen C0027672, MeSH D009386, MONDO:0015356.

Submission:

Ambry Genetics
Classification: Uncertain significance for Hereditary cancer-predisposing syndrome. Last evaluated: 2018-08-06. Review status: criteria provided, single submitter. Criteria: Ambry Variant Classification Scheme 2023. Collection method: clinical testing. Allele origin: germline.
Comment: The p.S2449T variant (also known as c.7346G>C), located in coding exon 15 of the APC gene, results from a G to C substitution at nucleotide position 7346. The serine at codon 2449 is replaced by threonine, an amino acid with similar properties. This amino acid position is highly conserved in available vertebrate species. In addition, in silico predictors for this gene do not accurately predict pathogenicity. Since supporting evidence is limited at this time, the clinical significance of this alteration remains unclear.